The following is an entry in ClinVar:

ClinVar aggregate classification (germline): Uncertain significance. Review status: criteria provided, multiple submitters, no conflicts (2 of 4 stars). 2 submissions from 2 submitters: Uncertain significance (2). Last evaluated 2025-01-28.

Conditions:
Inborn genetic diseases. Identifiers: MedGen C0950123, MeSH D030342.
Imerslund-Grasbeck syndrome. Also called: Imerslund-Gräsbeck syndrome; Megaloblastic anemia due to inborn errors of metabolism; ENTEROCYTE COBALAMIN MALABSORPTION; ENTEROCYTE INTRINSIC FACTOR RECEPTOR, DEFECT OF; PERNICIOUS ANEMIA, JUVENILE, DUE TO SELECTIVE INTESTINAL MALABSORPTION OF VITAMIN B12, WITH PROTEINURIA. Identifiers: Orphanet 35858, MedGen C4551825, MONDO:0009853.

Submissions (2):

Ambry Genetics
Classification: Uncertain significance for Inborn genetic diseases. Last evaluated: 2025-01-28. Review status: criteria provided, single submitter. Criteria: Ambry Variant Classification Scheme 2023. Collection method: clinical testing. Allele origin: germline.

Labcorp Genetics (formerly Invitae), Labcorp
Classification: Uncertain significance for Imerslund-Grasbeck syndrome. Last evaluated: 2024-04-10. Review status: criteria provided, single submitter. Criteria: Invitae Variant Classification Sherloc (09022015). Collection method: clinical testing. Allele origin: germline.
Comment: This sequence change replaces methionine, which is neutral and non-polar, with arginine, which is basic and polar, at codon 524 of the CUBN protein (p.Met524Arg). This variant is present in population databases (rs750117671, gnomAD 0.005%). This variant has not been reported in the literature in individuals affected with CUBN-related conditions. Advanced modeling of protein sequence and biophysical properties (such as structural, functional, and spatial information, amino acid conservation, physicochemical variation, residue mobility, and thermodynamic stability) performed at Invitae indicates that this missense variant is not expected to disrupt CUBN protein function with a negative predictive value of 80%. In summary, the available evidence is currently insufficient to determine the role of this variant in disease. Therefore, it has been classified as a Variant of Uncertain Significance.

NM_001081.4(CUBN):c.1571T>G (p.Met524Arg)

Gene: CUBN (cubilin; minus strand). Cytogenetic location: 10p13.
Variant type: single nucleotide variant.
Coding change: c.1571T>G on transcript NM_001081.4 (MANE Select); coding-DNA position 1571, T replaced by G.
Protein change: p.Met524Arg; replaces methionine 524 with arginine.
Molecular consequence: missense variant.
Genome position (GRCh38, 1-based): chr10:17,100,199, A>C on the plus strand (T>G on the coding strand, the complement: CUBN is on the minus strand). VCF-style: chr10-17100199-A-C. GRCh37 (hg19) VCF-style: chr10-17142198-A-C.
Other names: short protein forms M524R.
Identifiers: ClinVar variation 3605711 (VCV003605711.3).